The following is an entry in ClinVar:

ClinVar aggregate classification (germline): Benign (1 of 4 stars; one submission).

Allele frequency attached by ClinVar (database versions not stated): 1000 Genomes Project 30x 0.05340; 1000 Genomes Project 0.05411; gnomAD 0.05483 and 0.05624; TOPMed 0.05711.
gnomAD v4.1: 8,334 of 152,128 alleles (5.5%); highest among the groups gnomAD compares: African/African-American, 9.7%; 311 homozygotes.

Submission:

GeneDx
Classification: Benign. Last evaluated: 2018-06-16. Review status: criteria provided, single submitter. Criteria: GeneDx Variant Classification (06012015). Collection method: clinical testing. Allele origin: germline. Affected: yes.
Comment: This variant is considered likely benign or benign based on one or more of the following criteria: it is a conservative change, it occurs at a poorly conserved position in the protein, it is predicted to be benign by multiple in silico algorithms, and/or has population frequency not consistent with disease.

NM_182961.4(SYNE1):c.17682+295G>A

Gene: SYNE1 (spectrin repeat containing nuclear envelope protein 1; minus strand). Cytogenetic location: 6q25.2.
Variant type: single nucleotide variant.
Coding change: c.17682+295G>A on transcript NM_182961.4 (MANE Select); 295 bases into the intron after coding-DNA position 17682, G replaced by A.
Molecular consequence: intron variant.
Genome position (GRCh38, 1-based): chr6:152,300,346, C>T on the plus strand (G>A on the coding strand, the complement: SYNE1 is on the minus strand). VCF-style: chr6-152300346-C-T. GRCh37 (hg19) VCF-style: chr6-152621481-C-T.
Other names: c.17469+295G>A (NM_033071.5).
Identifiers: ClinVar variation 683959 (VCV000683959.1), dbSNP rs76045328, ClinGen allele CA150197161.